The following is an entry in ClinVar:

NM_058216.3(RAD51C):c.30G>A (p.Met10Ile)

Gene: RAD51C (RAD51 paralog C; plus strand). Cytogenetic location: 17q22.
Variant type: single nucleotide variant.
Coding change: c.30G>A on transcript NM_058216.3 (MANE Select); coding-DNA position 30, G replaced by A.
Protein change: p.Met10Ile; replaces methionine 10 with isoleucine.
Molecular consequence: missense variant. On other transcripts: non-coding transcript variant (2).
Genome position (GRCh38, 1-based): chr17:58,692,673, G>A. VCF-style: chr17-58692673-G-A. GRCh37 (hg19) VCF-style: chr17-56770034-G-A.
Other names: c.30G>A, p.Met10Ile (NM_002876.4); short protein forms M10I.
Identifiers: ClinVar variation 3608111 (VCV003608111.3).

ClinVar aggregate classification (germline): Uncertain significance. Review status: criteria provided, multiple submitters, no conflicts (2 of 4 stars). 2 submissions from 2 submitters: Uncertain significance (2). Last evaluated 2025-04-14.

Conditions:
Fanconi anemia complementation group O. Also called: RAD51C-Related Fanconi Anemia. Identifiers: Orphanet 84, MedGen C3150653, MONDO:0013248, OMIM 613390.
Hereditary cancer-predisposing syndrome. Also called: Neoplastic Syndromes, Hereditary; Tumor predisposition; Hereditary Cancer Syndrome; Hereditary neoplastic syndrome. Identifiers: Orphanet 140162, MedGen C0027672, MeSH D009386, MONDO:0015356.

Submissions (2):

Ambry Genetics
Classification: Uncertain significance for Hereditary cancer-predisposing syndrome. Last evaluated: 2025-04-14. Review status: criteria provided, single submitter. Criteria: Ambry Variant Classification Scheme 2023. Collection method: clinical testing. Allele origin: germline.
Comment: The p.M10I variant (also known as c.30G>A), located in coding exon 1 of the RAD51C gene, results from a G to A substitution at nucleotide position 30. The methionine at codon 10 is replaced by isoleucine, an amino acid with highly similar properties. In a homology-directed DNA repair (HDR) assay, this alteration showed a functionally normal read-out (Hu C et al. Cancer Res, 2023 Aug;83:2557-2571). This amino acid position is highly conserved in available vertebrate species. In addition, the in silico prediction for this alteration is inconclusive. Based on the available evidence, the clinical significance of this variant remains unclear.

Labcorp Genetics (formerly Invitae), Labcorp
Classification: Uncertain significance for Fanconi anemia complementation group O. Last evaluated: 2024-11-03. Review status: criteria provided, single submitter. Criteria: Invitae Variant Classification Sherloc (09022015). Collection method: clinical testing. Allele origin: germline.
Comment: This sequence change replaces methionine, which is neutral and non-polar, with isoleucine, which is neutral and non-polar, at codon 10 of the RAD51C protein (p.Met10Ile). This variant is present in population databases (no rsID available, gnomAD 0.003%). This missense change has been observed in individual(s) with ovarian cancer (PMID: 34326862, 34923718). An algorithm developed to predict the effect of missense changes on protein structure and function (PolyPhen-2) suggests that this variant is likely to be disruptive. Experimental studies have shown that this missense change does not substantially affect RAD51C function (PMID: 37253112). In summary, the available evidence is currently insufficient to determine the role of this variant in disease. Therefore, it has been classified as a Variant of Uncertain Significance.

Literature cited by the submitters: PubMed 37253112 (cited by Ambry Genetics and Labcorp Genetics (formerly Invitae), Labcorp); PubMed 34326862 (cited by Labcorp Genetics (formerly Invitae), Labcorp); PubMed 34923718 (cited by Labcorp Genetics (formerly Invitae), Labcorp).